The following is an entry in ClinVar:

ClinVar aggregate classification (germline): Uncertain significance (1 of 4 stars; one submission).

Conditions:
Muscle AMP deaminase deficiency (MMDD). Also called: AMPD1 DEFICIENCY; ADENOSINE MONOPHOSPHATE DEAMINASE-1 DEFICIENCY, MYOPATHY DUE TO; Myoadenylate deaminase deficiency, myopathy due to; Adenosine monophosphate deaminase 1 deficiency; AMP deaminase 1 deficiency; Adenosine Monophosphate Deaminase 1. Identifiers: Orphanet 45, MedGen C3714933, MONDO:0014220, OMIM 615511.

Allele frequency attached by ClinVar (database versions not stated): gnomAD 0.00001; gnomAD exomes 0.00001; ExAC 0.00002.

Submission:

Labcorp Genetics (formerly Invitae), Labcorp
Classification: Uncertain significance for Muscle AMP deaminase deficiency. Last evaluated: 2022-02-04. Review status: criteria provided, single submitter. Criteria: Invitae Variant Classification Sherloc (09022015). Collection method: clinical testing. Allele origin: germline.
Comment: This sequence change replaces valine, which is neutral and non-polar, with aspartic acid, which is acidic and polar, at codon 477 of the AMPD1 protein (p.Val477Asp). This variant is present in population databases (rs773253177, gnomAD 0.007%). This variant has not been reported in the literature in individuals affected with AMPD1-related conditions. Algorithms developed to predict the effect of missense changes on protein structure and function are either unavailable or do not agree on the potential impact of this missense change (SIFT: "Deleterious"; PolyPhen-2: "Possibly Damaging"; Align-GVGD: "Class C0"). In summary, the available evidence is currently insufficient to determine the role of this variant in disease. Therefore, it has been classified as a Variant of Uncertain Significance.

NM_000036.3(AMPD1):c.1331T>A (p.Val444Asp)

Gene: AMPD1 (adenosine monophosphate deaminase 1; minus strand). Cytogenetic location: 1p13.2.
Variant type: single nucleotide variant.
Coding change: c.1331T>A on transcript NM_000036.3 (MANE Select); coding-DNA position 1331, T replaced by A.
Protein change: p.Val444Asp; replaces valine 444 with aspartic acid.
Molecular consequence: missense variant.
Genome position (GRCh38, 1-based): chr1:114,677,408, A>T on the plus strand (T>A on the coding strand, the complement: AMPD1 is on the minus strand). VCF-style: chr1-114677408-A-T. GRCh37 (hg19) VCF-style: chr1-115220029-A-T.
Other names: c.1319T>A, p.Val440Asp (NM_001172626.2); short protein forms V444D, V440D.
Identifiers: ClinVar variation 1520184 (VCV001520184.8), dbSNP rs773253177, ClinGen allele CA1020152.